The following is an entry in ClinVar:

ClinVar aggregate classification (germline): Pathogenic (1 of 4 stars; one submission).

Conditions:
Thrombophilia due to protein S deficiency, autosomal recessive (THPH6). Identifiers: Orphanet 743, MedGen C3281092, MONDO:0013791, OMIM 614514. Disease mechanism: loss of function.

Submission:

Labcorp Genetics (formerly Invitae), Labcorp
Classification: Pathogenic for Thrombophilia due to protein S deficiency, autosomal recessive. Last evaluated: 2025-07-31. Review status: criteria provided, single submitter. Criteria: Invitae Variant Classification Sherloc (09022015). Collection method: clinical testing. Allele origin: germline.
Comment: This sequence change creates a premature translational stop signal (p.Glu576*) in the PROS1 gene. It is expected to result in an absent or disrupted protein product. Loss-of-function variants in PROS1 are known to be pathogenic (PMID: 9241758). This variant is not present in population databases (gnomAD no frequency). This variant has not been reported in the literature in individuals affected with PROS1-related conditions. ClinVar contains an entry for this variant (Variation ID: 2744826). Algorithms developed to predict the effect of sequence changes on RNA splicing suggest that this variant may disrupt the consensus splice site. For these reasons, this variant has been classified as Pathogenic.

Literature cited by the submitters: PubMed 9241758.

NM_000313.4(PROS1):c.1726G>T (p.Glu576Ter)

Gene: PROS1 (protein S; minus strand). Cytogenetic location: 3q11.1.
Variant type: single nucleotide variant.
Coding change: c.1726G>T on transcript NM_000313.4 (MANE Select); coding-DNA position 1726, G replaced by T.
Protein change: p.Glu576Ter; replaces glutamic acid 576 with a stop codon.
Molecular consequence: nonsense.
Genome position (GRCh38, 1-based): chr3:93,877,110, C>A on the plus strand (G>T on the coding strand, the complement: PROS1 is on the minus strand). VCF-style: chr3-93877110-C-A. GRCh37 (hg19) VCF-style: chr3-93595954-C-A.
Other names: c.1822G>T, p.Glu608Ter (NM_001314077.2); short protein forms E576*, E608*.
Identifiers: ClinVar variation 2744826 (VCV002744826.3), dbSNP rs763898193, ClinGen allele CA353671250.
Genomic context (GRCh38, chr3:93,877,110, plus strand): 5'-AGATGGTTTCTATTTTAAGTGGTGTCGACAACTCCAGATTGTTTCTGTTGACTCTAAATT[C>A]CAGATGAGATTGTTGATCGGAACATAGACTTAGGGCCTGTATCCGATATATTACAGTATT-3'